The following is an entry in ClinVar:

NM_001283009.2(RTEL1):c.674C>T (p.Pro225Leu)

Genes: RTEL1 (regulator of telomere elongation helicase 1; plus strand), RTEL1-TNFRSF6B (RTEL1-TNFRSF6B readthrough (NMD candidate); plus strand). Cytogenetic location: 20q13.33.
Variant type: single nucleotide variant.
Coding change: c.674C>T on transcript NM_001283009.2 (MANE Select); coding-DNA position 674, C replaced by T.
Protein change: p.Pro225Leu; replaces proline 225 with leucine.
Molecular consequence: missense variant. On other transcripts: non-coding transcript variant (1).
Genome position (GRCh38, 1-based): chr20:63,667,528, C>T. VCF-style: chr20-63667528-C-T. GRCh37 (hg19) VCF-style: chr20-62298881-C-T.
Other names: c.5C>T, p.Pro2Leu (NM_001283010.1); c.674C>T, p.Pro225Leu (NM_016434.4); c.746C>T, p.Pro249Leu (NM_032957.5); c.746C>T (NM_032957.4); short protein forms P2L, P249L, P225L.
Identifiers: ClinVar variation 2189634 (VCV002189634.6), dbSNP rs772748212, ClinGen allele CA9964391.

ClinVar aggregate classification (germline): Uncertain significance. Review status: criteria provided, multiple submitters, no conflicts (2 of 4 stars). 3 submissions from 3 submitters: Uncertain significance (3). Last evaluated 2024-12-15.

Conditions:
RTEL1-related disorder. Also called: RTEL1-related disorders; RTEL1-related condition.
Pulmonary fibrosis and/or bone marrow failure, Telomere-related, 3. Also called: PULMONARY FIBROSIS AND/OR BONE MARROW FAILURE SYNDROME, TELOMERE-RELATED, 3. Identifiers: Orphanet 2032, MedGen C4225346, MONDO:0014613, OMIM 616373.
Dyskeratosis congenita, autosomal recessive 5 (DKCB5). Identifiers: MedGen C3554656, MONDO:0014076, OMIM 615190.
Inborn genetic diseases. Identifiers: MedGen C0950123, MeSH D030342.

Allele frequency attached by ClinVar (database versions not stated): ExAC 0.00003.
gnomAD v4.1: 15 of 1,613,844 alleles (0.00093%); highest among the groups gnomAD compares: Admixed American, 0.0033%; no homozygotes.

Submissions (3):

Labcorp Genetics (formerly Invitae), Labcorp
Classification: Uncertain significance for Dyskeratosis congenita, autosomal recessive 5; Pulmonary fibrosis and/or bone marrow failure, Telomere-related, 3. Last evaluated: 2024-12-15. Review status: criteria provided, single submitter. Criteria: Invitae Variant Classification Sherloc (09022015). Collection method: clinical testing. Allele origin: germline.
Comment: This sequence change replaces proline, which is neutral and non-polar, with leucine, which is neutral and non-polar, at codon 225 of the RTEL1 protein (p.Pro225Leu). This variant is present in population databases (rs772748212, gnomAD 0.004%). This missense change has been observed in individual(s) with autism and/or developmental delay (PMID: 33057194, 35982159). ClinVar contains an entry for this variant (Variation ID: 2189634). An algorithm developed to predict the effect of missense changes on protein structure and function (PolyPhen-2) suggests that this variant is likely to be disruptive. In summary, the available evidence is currently insufficient to determine the role of this variant in disease. Therefore, it has been classified as a Variant of Uncertain Significance.

PreventionGenetics, part of Exact Sciences
Classification: Uncertain significance for RTEL1-related condition. Last evaluated: 2024-12-10. Review status: criteria provided, single submitter. Criteria: ACMG Guidelines, 2015. Collection method: clinical testing. Allele origin: germline.
Comment: The RTEL1 c.746C>T variant is predicted to result in the amino acid substitution p.Pro249Leu. To our knowledge, this variant has not been reported in the literature. This variant is reported in 0.0028% of alleles in individuals of Latino descent in gnomAD. At this time, the clinical significance of this variant is uncertain due to the absence of conclusive functional and genetic evidence.

Ambry Genetics
Classification: Uncertain significance for Inborn genetic diseases. Last evaluated: 2024-11-25. Review status: criteria provided, single submitter. Criteria: Ambry Variant Classification Scheme 2023. Collection method: clinical testing. Allele origin: germline.
Comment: The p.P225L variant (also known as c.674C>T), located in coding exon 7 of the RTEL1 gene, results from a C to T substitution at nucleotide position 674. The proline at codon 225 is replaced by leucine, an amino acid with similar properties. This amino acid position is conserved. In addition, this alteration is predicted to be deleterious by in silico analysis. Based on the available evidence, the clinical significance of this variant remains unclear.

Literature cited by the submitters: PubMed 33057194 (cited by Labcorp Genetics (formerly Invitae), Labcorp); PubMed 35982159 (cited by Labcorp Genetics (formerly Invitae), Labcorp).